The following is an entry in ClinVar:

ClinVar aggregate classification (germline): Likely benign (1 of 4 stars; one submission).

gnomAD v4.1: 19 of 1,613,008 alleles (0.0012%); highest among the groups gnomAD compares: Middle Eastern, 0.033%; no homozygotes.

Submission:

CeGaT Center for Human Genetics Tuebingen
Classification: Likely benign. Last evaluated: 2024-10-01. Review status: criteria provided, single submitter. Criteria: CeGaT Center For Human Genetics Tuebingen Variant Classification Criteria Version 2. Collection method: clinical testing. Allele origin: germline. Affected: yes. Observed: 1 variant allele.
Comment: SIX5: BP4, BP7

NM_175875.5(SIX5):c.606G>A (p.Glu202=)

Genes: DM1-AS (DM1 locus antisense RNA; plus strand), SIX5 (SIX homeobox 5; minus strand), LOC107075317 (origin of replication in DMPK trinucleotide repeat region; plus strand). Cytogenetic location: 19q13.32.
Variant type: single nucleotide variant.
Coding change: c.606G>A on transcript NM_175875.5 (MANE Select); coding-DNA position 606, G replaced by A.
Protein change: p.Glu202=; no amino-acid change (glutamic acid 202 retained).
Molecular consequence: synonymous variant.
Genome position (GRCh38, 1-based): chr19:45,768,239, C>T on the plus strand (G>A on the coding strand, the complement: SIX5 is on the minus strand). VCF-style: chr19-45768239-C-T. GRCh37 (hg19) VCF-style: chr19-46271497-C-T.
Identifiers: ClinVar variation 3388328 (VCV003388328.14).